The following is an entry in ClinVar:

NM_145893.3(RBFOX1):c.32C>A (p.Pro11His)

Gene: RBFOX1 (RNA binding fox-1 homolog 1; plus strand). Cytogenetic location: 16p13.3.
Variant type: single nucleotide variant.
Coding change: c.32C>A on transcript NM_145893.3 (MANE Plus Clinical); coding-DNA position 32, C replaced by A.
Protein change: p.Pro11His; replaces proline 11 with histidine.
Molecular consequence: missense variant. On other transcripts: intron variant (5).
Genome position (GRCh38, 1-based): chr16:7,333,033, C>A. VCF-style: chr16-7333033-C-A. GRCh37 (hg19) VCF-style: chr16-7383034-C-A.
Other names: c.32C>A, p.Pro11His (NM_145891.3, NM_145892.3); c.28-185114C>A (NM_001364800.2, NM_018723.4, NM_001142333.2 and 1 more transcripts); c.157-185114C>A (NM_001308117.1); short protein forms P11H.
Identifiers: ClinVar variation 846803 (VCV000846803.9), dbSNP rs145351963, ClinGen allele CA7891223.
Genomic context (GRCh38, chr16:7,333,033, plus strand): 5'-TCAGAGGGAATAATAACTCTACGTAAAGCATGCTGGCGTCTCAAGGAGTTCTCCTGCATC[C>A]TTATGGCGTGCCTATGATTGTACCGGCAGCTCCTTACCTTCCTGGACTGATTCAGGTAAT-3'
Protein context (NP_665900.1, residues 1-21): MLASQGVLLH[Pro11His]YGVPMIVPAA

ClinVar aggregate classification (germline): Conflicting classifications of pathogenicity. Review status: criteria provided, conflicting classifications (1 of 4 stars). 2 submissions from 2 submitters: Uncertain significance (1); Likely benign (1). Last evaluated 2026-01-05.

Conditions:
Inborn genetic diseases. Identifiers: MedGen C0950123, MeSH D030342.
Idiopathic generalized epilepsy. Also called: Generalised epilepsy; EIG. Identifiers: MedGen C0270850, MONDO:0005579, OMIM 600669.

Allele frequency attached by ClinVar (database versions not stated): ExAC 0.00007; gnomAD exomes 0.00007; TOPMed 0.00015; gnomAD 0.00018 and 0.00021; ESP Exome Variant Server 0.00031; 1000 Genomes Project 30x 0.00109; 1000 Genomes Project 0.00140.
gnomAD v4.1: 92 of 1,613,838 alleles (0.0057%); highest among the groups gnomAD compares: African/African-American, 0.08%; no homozygotes.

Submissions (2):

Labcorp Genetics (formerly Invitae), Labcorp
Classification: Uncertain significance for Idiopathic generalized epilepsy. Last evaluated: 2026-01-05. Review status: criteria provided, single submitter. Criteria: Invitae Variant Classification Sherloc (09022015). Collection method: clinical testing. Allele origin: germline.
Comment: This sequence change replaces proline, which is neutral and non-polar, with histidine, which is basic and polar, at codon 11 of the RBFOX1 protein (p.Pro11His). This variant is present in population databases (rs145351963, gnomAD 0.07%), and has an allele count higher than expected for a pathogenic variant. This variant has not been reported in the literature in individuals affected with RBFOX1-related conditions. ClinVar contains an entry for this variant (Variation ID: 846803). An algorithm developed to predict the effect of missense changes on protein structure and function (PolyPhen-2) suggests that this variant is likely to be disruptive. In summary, the available evidence is currently insufficient to determine the role of this variant in disease. Therefore, it has been classified as a Variant of Uncertain Significance.

Ambry Genetics
Classification: Likely benign for Inborn genetic diseases. Last evaluated: 2025-08-03. Review status: criteria provided, single submitter. Criteria: Ambry Variant Classification Scheme 2023. Collection method: clinical testing. Allele origin: germline.